The following is an entry in ClinVar:

NM_001083962.2(TCF4):c.1481A>G (p.Tyr494Cys)

Gene: TCF4 (transcription factor 4; minus strand). Cytogenetic location: 18q21.2.
Variant type: single nucleotide variant.
Coding change: c.1481A>G on transcript NM_001083962.2 (MANE Select); coding-DNA position 1481, A replaced by G.
Protein change: p.Tyr494Cys; replaces tyrosine 494 with cysteine.
Molecular consequence: missense variant.
Genome position (GRCh38, 1-based): chr18:55,234,553, T>C on the plus strand (A>G on the coding strand, the complement: TCF4 is on the minus strand). VCF-style: chr18-55234553-T-C. GRCh37 (hg19) VCF-style: chr18-52901784-T-C.
Other names: c.1268A>G, p.Tyr423Cys (NM_001306208.1, NM_001243232.1); c.1478A>G, p.Tyr493Cys (NM_001330604.3, NM_001369573.1, NM_001369574.1 and 2 more transcripts); c.1091A>G, p.Tyr364Cys (NM_001330605.3, NM_001348212.2, NM_001348213.2 and 1 more transcripts); c.1355A>G, p.Tyr452Cys (NM_001348211.2, NM_001243231.2); c.998A>G, p.Tyr333Cys (NM_001348214.2); c.833A>G, p.Tyr278Cys (NM_001348215.2); c.1001A>G, p.Tyr334Cys (NM_001348216.2, NM_001243234.2, NM_001243235.2 and 1 more transcripts); c.1409A>G, p.Tyr470Cys (NM_001348217.1, NM_001369575.1, NM_001369582.1 and 5 more transcripts); and 6 more; short protein forms Y452C, Y471C, Y493C, Y364C, Y500C, Y333C, Y334C, Y423C.
Identifiers: ClinVar variation 4703159 (VCV004703159.1).
Genomic context (GRCh38, chr18:55,234,553, plus strand): 5'-ACACTGGTCCTATTGTGAAAGTGAGGTCAGAAGTGCCCTGGTGAGGCCAACCTACCTCTG[T>C]AAGGGTCCTGGGGTGGGTTCAGGTCAGGGGAAGTCGCAGACTGGACAGGAAGCTGTGGAA-3'
Protein context (NP_001077431.1, residues 484-504): SPDLNPPQDP[Tyr494Cys]RGMPPGLQGQ

ClinVar aggregate classification (germline): Uncertain significance (1 of 4 stars; one submission).

Conditions:
Pitt-Hopkins syndrome (PTHS). Also called: MENTAL RETARDATION, SYNDROMAL, WITH INTERMITTENT HYPERVENTILATION; ENCEPHALOPATHY, SEVERE EPILEPTIC, WITH AUTONOMIC DYSFUNCTION. Identifiers: Orphanet 2896, MedGen C1970431, MONDO:0012589, OMIM 610954.

Submission:

Labcorp Genetics (formerly Invitae), Labcorp
Classification: Uncertain significance for Pitt-Hopkins syndrome. Last evaluated: 2025-04-08. Review status: criteria provided, single submitter. Criteria: Invitae Variant Classification Sherloc (09022015). Collection method: clinical testing. Allele origin: germline.
Comment: This sequence change replaces tyrosine, which is neutral and polar, with cysteine, which is neutral and slightly polar, at codon 494 of the TCF4 protein (p.Tyr494Cys). This variant is not present in population databases (gnomAD no frequency). This variant has not been reported in the literature in individuals affected with TCF4-related conditions. Invitae Evidence Modeling of protein sequence and biophysical properties (such as structural, functional, and spatial information, amino acid conservation, physicochemical variation, residue mobility, and thermodynamic stability) indicates that this missense variant is not expected to disrupt TCF4 protein function with a negative predictive value of 95%. In summary, the available evidence is currently insufficient to determine the role of this variant in disease. Therefore, it has been classified as a Variant of Uncertain Significance.